The following is an entry in ClinVar:

NM_006005.3(WFS1):c.2205C>G (p.Tyr735Ter)

Gene: WFS1 (wolframin ER transmembrane glycoprotein; plus strand). Cytogenetic location: 4p16.1.
Variant type: single nucleotide variant.
Coding change: c.2205C>G on transcript NM_006005.3 (MANE Select); coding-DNA position 2205, C replaced by G.
Protein change: p.Tyr735Ter; replaces tyrosine 735 with a stop codon.
Molecular consequence: nonsense.
Genome position (GRCh38, 1-based): chr4:6,302,000, C>G. VCF-style: chr4-6302000-C-G. GRCh37 (hg19) VCF-style: chr4-6303727-C-G.
Other names: c.2205C>G, p.Tyr735Ter (NM_001145853.1); short protein forms Y735*.
Identifiers: ClinVar variation 1453615 (VCV001453615.8), dbSNP rs71530911, ClinGen allele CA356178109.

ClinVar aggregate classification (germline): Pathogenic. Review status: criteria provided, multiple submitters, no conflicts (2 of 4 stars). 2 submissions from 2 submitters: Pathogenic (2). Last evaluated 2023-07-14.

Conditions:
Wolfram syndrome 1 (WFS1). Identifiers: Orphanet 3463, MedGen C4551693, MONDO:0009101, OMIM 222300.

Submissions (2):

Women's Health and Genetics/Laboratory Corporation of America, LabCorp
Classification: Pathogenic for Wolfram syndrome 1. Last evaluated: 2023-07-14. Review status: criteria provided, single submitter. Criteria: LabCorp Variant Classification Summary - May 2015. Collection method: clinical testing. Allele origin: germline.
Comment: Variant summary: WFS1 c.2205C>G (p.Tyr735X) results in a premature termination codon and is predicted to cause a truncation of the encoded protein, which is a commonly known mechanism for disease. Although the variant is not expected to cause absence of the protein through nonsense mediated decay, the variant is predicted to remove the last 155 amino acids in the protein sequence. Variants downstream of this position have been classified as pathogenic by our laboratory. The variant was absent in 245898 control chromosomes (gnomAD). To our knowledge, no occurrence of c.2205C>G in individuals affected with Wolfram Syndrome 1 and no experimental evidence demonstrating its impact on protein function have been reported. A different nonsense variant at this codon has been classified as disease causing in HGMD (CM149025). One ClinVar submitter has assessed the variant since 2014, and classified the variant as pathogenic. Based on the evidence outlined above, the variant was classified as pathogenic.

Labcorp Genetics (formerly Invitae), Labcorp
Classification: Pathogenic. Last evaluated: 2021-04-02. Review status: criteria provided, single submitter. Criteria: Invitae Variant Classification Sherloc (09022015). Collection method: clinical testing. Allele origin: germline.
Comment: For these reasons, this variant has been classified as Pathogenic. This sequence change creates a premature translational stop signal (p.Tyr735*) in the WFS1 gene. While this is not anticipated to result in nonsense mediated decay, it is expected to disrupt the last 156 amino acid(s) of the WFS1 protein. This variant is not present in population databases (ExAC no frequency). This nonsense change has been observed in individual(s) with autosomal recessive Wolfram syndrome (PMID: 25173644). It has also been observed to segregate with disease in related individuals. Algorithms developed to predict the effect of sequence changes on RNA splicing suggest that this variant may create or strengthen a splice site, but this prediction has not been confirmed by published transcriptional studies.

Literature cited by the submitters: PubMed 25173644 (cited by Labcorp Genetics (formerly Invitae), Labcorp).